The following is an entry in ClinVar:

NM_000490.5(AVP):c.160G>C (p.Gly54Arg)

Gene: AVP (arginine vasopressin; minus strand). Cytogenetic location: 20p13.
Variant type: single nucleotide variant.
Coding change: c.160G>C on transcript NM_000490.5 (MANE Select); coding-DNA position 160, G replaced by C.
Protein change: p.Gly54Arg; replaces glycine 54 with arginine.
Molecular consequence: missense variant.
Genome position (GRCh38, 1-based): chr20:3,083,139, C>G on the plus strand (G>C on the coding strand, the complement: AVP is on the minus strand). VCF-style: chr20-3083139-C-G. GRCh37 (hg19) VCF-style: chr20-3063785-C-G.
Other names: G23R; c.160G>C, p.Gly54Arg (LRG_715t1); c.160G>C (NM_000490.4); short protein forms G54R.
Identifiers: ClinVar variation 12214 (VCV000012214.4), dbSNP rs121964888, ClinGen allele CA121963.

ClinVar aggregate classification (germline): Pathogenic. Review status: criteria provided, multiple submitters, no conflicts (2 of 4 stars). 3 submissions from 3 submitters: Pathogenic (2). 1 of the submissions does not count toward it. Last evaluated 2025-01-21.

Conditions:
Neurohypophyseal diabetes insipidus. Also called: Diabetes Insipidus, Neurogenic; Hereditary arginine vasopressin deficiency; DIABETES INSIPIDUS, PRIMARY CENTRAL. Identifiers: Orphanet 178029, Orphanet 30925, MedGen C0342394, MONDO:0007450, OMIM 125700.

Submissions (3):

Labcorp Genetics (formerly Invitae), Labcorp
Classification: Pathogenic. Last evaluated: 2025-01-21. Review status: criteria provided, single submitter. Criteria: Invitae Variant Classification Sherloc (09022015). Collection method: clinical testing. Allele origin: germline.
Comment: This sequence change replaces glycine, which is neutral and non-polar, with arginine, which is basic and polar, at codon 54 of the AVP protein (p.Gly54Arg). This variant is not present in population databases (gnomAD no frequency). This missense change has been observed in individuals with familial neurohypophyseal diabetes insipidus (PMID: 11980620, 31238300). It has also been observed to segregate with disease in related individuals. ClinVar contains an entry for this variant (Variation ID: 12214). An algorithm developed to predict the effect of missense changes on protein structure and function (PolyPhen-2) suggests that this variant is likely to be disruptive. For these reasons, this variant has been classified as Pathogenic.

GeneDx
Classification: Pathogenic. Last evaluated: 2024-02-22. Review status: criteria provided, single submitter. Criteria: GeneDx Variant Classification Process June 2021. Collection method: clinical testing. Allele origin: germline. Affected: yes.
Comment: Not observed at significant frequency in large population cohorts (gnomAD); In silico analysis supports that this missense variant has a deleterious effect on protein structure/function; This variant is associated with the following publications: (PMID: 31238300, 9467595, 32052034)

OMIM
Classification: Pathogenic for DIABETES INSIPIDUS, NEUROHYPOPHYSEAL. Last evaluated: 1998-02-01. Review status: no assertion criteria provided. Collection method: literature only. Allele origin: germline. Not counted in ClinVar's aggregate classification.

Literature cited by the submitters: PubMed 11980620 (cited by Labcorp Genetics (formerly Invitae), Labcorp); PubMed 31238300 (cited by Labcorp Genetics (formerly Invitae), Labcorp); PubMed 9467595 (cited by OMIM).